The following is an entry in ClinVar:

NM_000540.3(RYR1):c.2010G>A (p.Val670=)

Gene: RYR1 (ryanodine receptor 1; plus strand). Cytogenetic location: 19q13.2.
Variant type: single nucleotide variant.
Coding change: c.2010G>A on transcript NM_000540.3 (MANE Select); coding-DNA position 2010, G replaced by A.
Protein change: p.Val670=; no amino-acid change (valine 670 retained).
Molecular consequence: synonymous variant.
Genome position (GRCh38, 1-based): chr19:38,458,135, G>A. VCF-style: chr19-38458135-G-A. GRCh37 (hg19) VCF-style: chr19-38948775-G-A.
Other names: c.2010G>A, p.Val670= (NM_001042723.2).
Identifiers: ClinVar variation 2157622 (VCV002157622.2), dbSNP rs774654320, ClinGen allele CA062746.
Genomic context (GRCh38, chr19:38,458,135, plus strand): 5'-CCGAGCGGAAGGCACCACGCAGTACAGCAAATGGTACTTTGAGGTGATGGTGGACGAGGT[G>A]ACTCCATTTCTGACAGCTCAGGCCACCCACTTGCGGGTGGGCTGGGCCCTCACCGAGGGC-3'
Protein context (NP_000531.2, residues 660-680): KWYFEVMVDE[Val670=]TPFLTAQATH

ClinVar aggregate classification (germline): Uncertain significance (1 of 4 stars; one submission).

Conditions:
RYR1-related disorder. Also called: RYR1-related condition; RYR1-related disorders. Identifiers: MedGen CN239331.

Allele frequency attached by ClinVar (database versions not stated): gnomAD exomes below 0.00001; ExAC 0.00001.
gnomAD v4.1: 1 of 1,614,012 alleles (0.000062%); highest among the groups gnomAD compares: Non-Finnish European, 0.000085%; no homozygotes.

Submission:

Labcorp Genetics (formerly Invitae), Labcorp
Classification: Uncertain significance for RYR1-related disorder. Last evaluated: 2026-02-02. Review status: criteria provided, single submitter. Criteria: Invitae Variant Classification Sherloc (09022015). Collection method: clinical testing. Allele origin: germline.
Comment: This sequence change affects codon 670 of the RYR1 mRNA. It is a 'silent' change, meaning that it does not change the encoded amino acid sequence of the RYR1 protein. This variant is not present in population databases (gnomAD no frequency). This variant has not been reported in the literature in individuals affected with RYR1-related conditions. ClinVar contains an entry for this variant (Variation ID: 2157622). Algorithms developed to predict the effect of sequence changes on RNA splicing suggest that this variant may create or strengthen a splice site. In summary, the available evidence is currently insufficient to determine the role of this variant in disease. Therefore, it has been classified as a Variant of Uncertain Significance.